The following is an entry in ClinVar:

ClinVar aggregate classification (germline): Pathogenic (1 of 4 stars; one submission).

Conditions:
Inborn genetic diseases. Identifiers: MedGen C0950123, MeSH D030342.

Submission:

Ambry Genetics
Classification: Pathogenic for Inborn genetic diseases. Last evaluated: 2022-09-20. Review status: criteria provided, single submitter. Criteria: Ambry Variant Classification Scheme 2023. Collection method: clinical testing. Allele origin: germline.
Comment: The c.1207C>T (p.Q403*) alteration, located in exon 8 (coding exon 8) of the MYRF gene, consists of a C to T substitution at nucleotide position 1207. This changes the amino acid from a glutamine (Q) to a stop codon at amino acid position 403. This alteration is expected to result in loss of function by premature protein truncation or nonsense-mediated mRNA decay. This variant was not reported in population-based cohorts in the Genome Aggregation Database (gnomAD). Based on the available evidence, this alteration is classified as pathogenic.

NM_001127392.3(MYRF):c.1207C>T (p.Gln403Ter)

Gene: MYRF (myelin regulatory factor; plus strand). Cytogenetic location: 11q12.2.
Variant type: single nucleotide variant.
Coding change: c.1207C>T on transcript NM_001127392.3 (MANE Select); coding-DNA position 1207, C replaced by T.
Protein change: p.Gln403Ter; replaces glutamine 403 with a stop codon.
Molecular consequence: nonsense.
Genome position (GRCh38, 1-based): chr11:61,774,058, C>T. VCF-style: chr11-61774058-C-T. GRCh37 (hg19) VCF-style: chr11-61541530-C-T.
Other names: c.1180C>T, p.Gln394Ter (NM_013279.4); short protein forms Q403*, Q394*.
Identifiers: ClinVar variation 2307379 (VCV002307379.2), dbSNP rs2540929867, ClinGen allele CA380852027.